The following is an entry in ClinVar:

NM_000059.4(BRCA2):c.9104A>C (p.Tyr3035Ser)

Gene: BRCA2 (BRCA2 DNA repair associated; plus strand). Cytogenetic location: 13q13.1.
Variant type: single nucleotide variant.
Coding change: c.9104A>C on transcript NM_000059.4 (MANE Select); coding-DNA position 9104, A replaced by C.
Protein change: p.Tyr3035Ser; replaces tyrosine 3035 with serine.
Molecular consequence: missense variant.
Genome position (GRCh38, 1-based): chr13:32,379,900, A>C. VCF-style: chr13-32379900-A-C. GRCh37 (hg19) VCF-style: chr13-32954037-A-C.
Other names: p.Y3035S:TAT>TCT; 9332A>C; short protein forms Y3035S.
Identifiers: ClinVar variation 38211 (VCV000038211.60), dbSNP rs80359165, ClinGen allele CA025980.

ClinVar aggregate classification (germline): Conflicting classifications of pathogenicity. Review status: criteria provided, conflicting classifications (1 of 4 stars). 25 submissions from 25 submitters: Uncertain significance (5); Benign (3); Likely benign (10). 7 of the submissions do not count toward it. Last evaluated 2026-09-14.

Conditions:
Inherited breast cancer and ovarian cancer.
BRCA2-related cancer predisposition. Identifiers: MedGen CN377758, MONDO:0700269.
BRCA2-related disorder. Also called: BRCA2-related condition; BRCA2-related disorders. Identifiers: MedGen CN239275.
Breast and/or ovarian cancer. Identifiers: MedGen CN221562.
Hereditary cancer-predisposing syndrome. Also called: Neoplastic Syndromes, Hereditary; Tumor predisposition; Hereditary Cancer Syndrome; Hereditary neoplastic syndrome. Identifiers: Orphanet 140162, MedGen C0027672, MeSH D009386, MONDO:0015356.
Hereditary breast ovarian cancer syndrome. Also called: Hereditary breast and ovarian cancer; Breast and ovarian cancer; Hereditary breast and/or ovarian cancer syndrome; BRCA1- and BRCA2-Associated Hereditary Breast and Ovarian Cancer; Hereditary breast and ovarian cancer syndrome; Hereditary breast and ovarian cancer syndrome (HBOC). Identifiers: Orphanet 145, MedGen C0677776, MeSH D061325, MONDO:0003582. Disease mechanism: loss of function.
Pilocytic astrocytoma. Also called: Pilocytic astrocytoma, somatic. Identifiers: Orphanet 251612, MedGen C0334583, MONDO:0016691, HP:0033680.
Breast-ovarian cancer, familial, susceptibility to, 2 (BROVCA2). Also called: BRCA2 Hereditary Breast and Ovarian Cancer. Identifiers: Orphanet 145, MedGen C2675520, MONDO:0012933, OMIM 612555. Disease mechanism: loss of function.
Malignant tumor of breast. Also called: Cancer breast; Malignant breast neoplasm. Identifiers: MedGen C0006142, MONDO:0007254. Disease mechanism: loss of function.

Allele frequency attached by ClinVar (database versions not stated): TOPMed 0.00006; ESP Exome Variant Server 0.00008.
gnomAD v4.1: 104 of 1,613,654 alleles (0.0064%); highest among the groups gnomAD compares: Non-Finnish European, 0.0086%; no homozygotes.

Submissions 1 to 11 of 25:

Hema, HEMA – Genetic and Molecular Diagnostic Laboratory
Classification: Uncertain significance for BRCA2-related cancer predisposition. Last evaluated: 2026-09-14. Review status: criteria provided, single submitter. Criteria: HEMA Variant Classification Assertion Criteria. Collection method: clinical testing. Allele origin: germline.
Comment: It is a transversion from adenine to cytosine, resulting in the substitution of tyrosine 3035 with serine in the BRCA2 protein. The evidence associated with the variant is contradictory. There is some evidence suggesting it could be a variant of reduced penetrance/moderate risk: a meta-analysis of cases and controls showed a higher prevalence of the variant in breast cancer cases (OR = 2.52; p = 0.038; 95% CI: 1.05–6.05), although a subsequent study with a larger number of individuals did not show such an association (OR = 1.52; p = 0.49; 95% CI: 0.60–3.85) (PMID: 33471991). Functional studies are also contradictory (PMID: 33609447, 32444794, 29988080). The variant cosegregated with breast cancer with a penetrance of approximately 0.75 times that of classical pathogenic variants in BRCA2, and its frequency in the gnomAD database is not consistent with a high-risk pathogenic variant. Therefore, while this variant is not a high-penetrance pathogenic variant, it cannot be ruled out as a low-penetrance/ moderate-risk pathogenic variant. Given the contradictory evidence for the variant, it is classified as a variant of uncertain significance.

PreventionGenetics, part of Exact Sciences
Classification: Likely benign for BRCA2-related condition. Last evaluated: 2026-08-02. Review status: criteria provided, single submitter. Criteria: ACMG Guidelines, 2015. Collection method: clinical testing. Allele origin: germline.
Comment: This variant is classified as likely benign based on ACMG/AMP sequence variant interpretation guidelines (Richards et al. 2015 PMID: 25741868, with internal and published modifications).

Labcorp Genetics (formerly Invitae), Labcorp
Classification: Benign for Hereditary breast ovarian cancer syndrome. Last evaluated: 2026-01-28. Review status: criteria provided, single submitter. Criteria: Invitae Variant Classification Sherloc (09022015). Collection method: clinical testing. Allele origin: germline.

CeGaT Center for Human Genetics Tuebingen
Classification: Likely benign. Last evaluated: 2025-11-01. Review status: criteria provided, single submitter. Criteria: CeGaT Center For Human Genetics Tuebingen Variant Classification Criteria Version 2. Collection method: clinical testing. Allele origin: germline. Affected: yes. Observed: 3 variant alleles.
Comment: BRCA2: BP1, BP2, BS3:Supporting

Center for Genomic Medicine, Rigshospitalet, Copenhagen University Hospital
Classification: Likely benign. Last evaluated: 2025-03-04. Review status: criteria provided, single submitter. Criteria: ACMG Guidelines, 2015. Collection method: clinical testing. Allele origin: germline.

ARUP Laboratories, Molecular Genetics and Genomics, ARUP Laboratories
Classification: Likely benign. Last evaluated: 2025-02-28. Review status: criteria provided, single submitter. Criteria: ARUP Molecular Germline Variant Investigation Process 2024. Collection method: clinical testing. Allele origin: germline.

Genomics and Molecular Medicine Service, East Genomic Laboratory Hub, NHS Genomic Medicine Service
Classification: Benign for Inherited breast cancer and ovarian cancer. Last evaluated: 2024-11-28. Review status: criteria provided, single submitter. Criteria: ACGS Best Practice Guidelines for Variant Classification in Rare Disease 2020. Collection method: clinical testing. Allele origin: germline. Affected: yes.
Comment: BS3_Strong,BP5_Very Strong

Blueprint Genetics
Classification: Likely benign. Last evaluated: 2024-10-22. Review status: criteria provided, single submitter. Criteria: ACMG Guidelines, 2015. Collection method: clinical testing. Allele origin: germline.

Intergen Genetics and Rare Diseases Diagnosis Center
Classification: Likely benign for Breast-ovarian cancer, familial, susceptibility to, 2. Last evaluated: 2024-05-08. Review status: criteria provided, single submitter. Criteria: ACMG Guidelines, 2015. Collection method: clinical testing. Allele origin: germline. Inheritance: Autosomal dominant inheritance.

Quest Diagnostics Nichols Institute San Juan Capistrano
Classification: Likely benign. Last evaluated: 2023-04-12. Review status: criteria provided, single submitter. Criteria: Quest Diagnostics criteria. Collection method: clinical testing. Allele origin: unknown.

Women's Health and Genetics/Laboratory Corporation of America, LabCorp
Classification: Benign. Last evaluated: 2022-10-31. Review status: criteria provided, single submitter. Criteria: LabCorp Variant Classification Summary - May 2015. Collection method: clinical testing. Allele origin: germline.
Comment: Variant summary: BRCA2 c.9104A>C (p.Tyr3035Ser) results in a non-conservative amino acid change located in the DNA-binding domain (Shimelis 2017, Guidugli 2018) of the encoded protein sequence. Five of five in-silico tools predict a damaging effect of the variant on protein function. The variant allele was found at a frequency of 5.8e-05 in 345886 control chromosomes (gnomAD and publication data), predominantly found within the Non-Finnish European subpopulation at a frequency of 9.8e-05. This frequency is not higher than the estimated maximum expected for a pathogenic variant in BRCA2 causing Hereditary Breast and Ovarian Cancer (HBOC) Syndrome (0.00075), allowing no conclusion about variant significance. The variant, c.9104A>C, has been reported in the literature in several individuals affected with prostate cancer, breast cancer and ovarian cancer (e.g. Kote-Jarai 2011, Moghadasi 2013, Alsop 2012, Muendlein 2015, Dodova 2015, Shimelis 2017, Sadowski 2017, Alvarez 2017, Jakimovska 2018, Zuntini 2018, Fostira_2020), however it also was found in several healthy controls (e.g. Dodova 2015, Shimelis 2017). In addition, multiple co-occurrences with other pathogenic variants have been reported (BRCA1 c.2603C>G (p.Ser868X), BRCA2 c.1540_1549del (p.Glu514MetfsX8) and BRCA2 c.7913_7917delTTCCT (p.Phe2638X) in the UMD database; and BRCA2 c.5645C>A (p.Ser1882X) in Shimelis 2017), providing supporting evidence for a benign role. Several publications reported experimental evidence evaluating an impact on protein function, and demonstrated no effect on splicing (Thery_2011, Wai_2020), and a mild impact on BRCA2 protein function, representing an activity comparable to wild-type, or a somewhat hypomorphic allele (e.g. Shimelis 2017, Guidugli 2018, Mesman 2018, Ikegami_2020). One case-control study found that this variant was associated with moderately increased risks of breast cancer for Caucasian women (odds ratio (OR) = 2.52; P = 0.04), and while the number of cases and controls with the Y3035S variant were relatively small, this moderate risk estimate was supported by family pedigree analysis, showing partial co-segregation with breast cancer (Shimelis 2017). On the other hand, in a recent large study evaluating breast cancer cases and controls in the Breast Cancer Association Consortium (BCAC), the variant was reported in 12/60466 cases, and in 7/53461 controls (Dorling 2021 through LOVD), indicating a much lower odds ratio that is well below the OR of BRCA2 truncations (5.85 [95% CI: 4.85-7.06]) or pathogenic BRCA2 missense variants (5.68 [95% CI: 2.62 to 12.29]) reported in this study (Dorling 2021). In addition, multifactorial probability models, performing systematic assessments of variants of unknown significance in the BRCA genes, which included analysis of co-occurrence in trans with known deleterious mutations, personal and family history of cancer, tumor pathology and co-segregation with disease in pedigrees, predicted this variant to be (likely) neutral (Parsons 2019, Caputo 2021). Nine other clinical diagnostic laboratories have submitted clinical-significance assessments for this variant to ClinVar after 2014 without evidence for independent evaluation, and reported the variant with conflicting assessments (benign, n=1; likely benign, n=4; VUS, n=4). Based on the evidence outlined above, the variant of interest represents a neutral- or mildly hypomorphic variant, however, it is not a high penetrance causative variant within the settings of inherited Hereditary Breast and Ovarian Cancer Syndrome. Therefore, the variant was classified as benign.